The following is an entry in ClinVar:

NM_031942.5(CDCA7):c.1111G>A (p.Val371Ile)

Gene: CDCA7 (cell division cycle associated 7; plus strand). Cytogenetic location: 2q31.1.
Variant type: single nucleotide variant.
Coding change: c.1111G>A on transcript NM_031942.5 (MANE Select); coding-DNA position 1111, G replaced by A.
Protein change: p.Val371Ile; replaces valine 371 with isoleucine.
Molecular consequence: missense variant.
Genome position (GRCh38, 1-based): chr2:173,366,358, G>A. VCF-style: chr2-173366358-G-A. GRCh37 (hg19) VCF-style: chr2-174231086-G-A.
Other names: c.874G>A, p.Val292Ile (NM_145810.3); short protein forms V371I, V292I.
Identifiers: ClinVar variation 1415450 (VCV001415450.6), dbSNP rs199654527, ClinGen allele CA1971442.

ClinVar aggregate classification (germline): Uncertain significance (1 of 4 stars; one submission).

Allele frequency attached by ClinVar (database versions not stated): gnomAD 0.00001 and 0.00003; TOPMed 0.00003; ExAC 0.00004; gnomAD exomes 0.00006; 1000 Genomes Project 30x 0.00016; 1000 Genomes Project 0.00020.
gnomAD v4.1: 32 of 1,614,084 alleles (0.002%); highest among the groups gnomAD compares: South Asian, 0.021%; no homozygotes.

Submission:

Labcorp Genetics (formerly Invitae), Labcorp
Classification: Uncertain significance. Last evaluated: 2021-07-29. Review status: criteria provided, single submitter. Criteria: Invitae Variant Classification Sherloc (09022015). Collection method: clinical testing. Allele origin: germline.
Comment: This sequence change replaces valine with isoleucine at codon 371 of the CDCA7 protein (p.Val371Ile). The valine residue is highly conserved and there is a small physicochemical difference between valine and isoleucine. In summary, the available evidence is currently insufficient to determine the role of this variant in disease. Therefore, it has been classified as a Variant of Uncertain Significance. Algorithms developed to predict the effect of missense changes on protein structure and function output the following: SIFT: "Tolerated"; PolyPhen-2: "Benign"; Align-GVGD: "Class C0". The isoleucine amino acid residue is found in multiple mammalian species, which suggests that this missense change does not adversely affect protein function. This variant has not been reported in the literature in individuals affected with CDCA7-related conditions. This variant is present in population databases (rs199654527, ExAC 0.03%).